The following is an entry in ClinVar:

ClinVar aggregate classification (germline): Uncertain significance. Review status: criteria provided, multiple submitters, no conflicts (2 of 4 stars). 2 submissions from 2 submitters: Uncertain significance (2). Last evaluated 2025-04-28.

Conditions:
Retinoblastoma (RB1). Also called: RETINOBLASTOMA, SOMATIC. Identifiers: Orphanet 790, MedGen C0035335, MeSH D012175, MONDO:0008380, OMIM 180200, HP:0009919. Disease mechanism: loss of function. Inheritance: Both sporadic and heritable forms are tested..

Submissions (2):

Women's Health and Genetics/Laboratory Corporation of America, LabCorp
Classification: Uncertain significance. Last evaluated: 2025-04-28. Review status: criteria provided, single submitter. Criteria: LabCorp Variant Classification Summary - May 2015. Collection method: clinical testing. Allele origin: germline.
Comment: Variant summary: RB1 c.539+2dupT alters a nucleotide located close to a canonical splice site and therefore could affect mRNA splicing, leading to a significantly altered protein sequence. Several computational tools predict a significant impact on normal splicing: Three predict the variant abolishes the canonical 5' splicing donor site. One predict the variant no significant impact on splicing. However, these predictions have yet to be confirmed by functional studies. The variant was absent in 248194 control chromosomes. The available data on variant occurrences in the general population are insufficient to allow any conclusion about variant significance. To our knowledge, no occurrence of c.539+2dupT in individuals affected with Retinoblastoma and no experimental evidence demonstrating its impact on protein function have been reported. No submitters have cited clinical-significance assessments for this variant to ClinVar. Based on the evidence outlined above, the variant was classified as uncertain significance.

Labcorp Genetics (formerly Invitae), Labcorp
Classification: Uncertain significance for Retinoblastoma. Last evaluated: 2024-05-29. Review status: criteria provided, single submitter. Criteria: Invitae Variant Classification Sherloc (09022015). Collection method: clinical testing. Allele origin: germline.
Comment: This sequence change falls in intron 5 of the RB1 gene. It does not directly change the encoded amino acid sequence of the RB1 protein. It affects a nucleotide within the consensus splice site. This variant is not present in population databases (gnomAD no frequency). This variant has not been reported in the literature in individuals affected with RB1-related conditions. Variants that disrupt the consensus splice site are a relatively common cause of aberrant splicing (PMID: 17576681, 9536098). Algorithms developed to predict the effect of sequence changes on RNA splicing suggest that this variant may disrupt the consensus splice site. In summary, the available evidence is currently insufficient to determine the role of this variant in disease. Therefore, it has been classified as a Variant of Uncertain Significance.

Literature cited by the submitters: PubMed 17576681 (cited by Labcorp Genetics (formerly Invitae), Labcorp); PubMed 9536098 (cited by Labcorp Genetics (formerly Invitae), Labcorp).

NM_000321.3(RB1):c.539+2dup

Gene: RB1 (RB transcriptional corepressor 1; plus strand). Cytogenetic location: 13q14.2.
Variant type: Duplication.
Coding change: c.539+2dup on transcript NM_000321.3 (MANE Select); the canonical splice donor site of the intron after coding-DNA position 539, one base duplicated (T; older notation c.539+2dupT).
Molecular consequence: splice donor variant.
Genome position (GRCh38, 1-based): chr13:48,347,865, T duplicated. VCF-style (leftmost placement, unchanged base first): chr13-48347864-G-GT. GRCh37 (hg19) VCF-style: chr13-48922000-G-GT.
Other names: c.539+2dup (NM_001407165.1, NM_001407166.1); c.539+2dupT (NM_000321.3).
Identifiers: ClinVar variation 3654978 (VCV003654978.4).